The following is an entry in ClinVar:

NM_000243.3(MEFV):c.745A>G (p.Thr249Ala)

Gene: MEFV (MEFV innate immunity regulator, pyrin; minus strand). Cytogenetic location: 16p13.3.
Variant type: single nucleotide variant.
Coding change: c.745A>G on transcript NM_000243.3 (MANE Select); coding-DNA position 745, A replaced by G.
Protein change: p.Thr249Ala; replaces threonine 249 with alanine.
Molecular consequence: missense variant. On other transcripts: intron variant (1).
Genome position (GRCh38, 1-based): chr16:3,254,323, T>C on the plus strand (A>G on the coding strand, the complement: MEFV is on the minus strand). VCF-style: chr16-3254323-T-C. GRCh37 (hg19) VCF-style: chr16-3304323-T-C.
Other names: c.277+1988A>G (NM_001198536.2); short protein forms T249A.
Identifiers: ClinVar variation 1423656 (VCV001423656.4), dbSNP rs764952529, ClinGen allele CA7860339.

ClinVar aggregate classification (germline): Uncertain significance. Review status: criteria provided, multiple submitters, no conflicts (2 of 4 stars). 2 submissions from 2 submitters: Uncertain significance (2). Last evaluated 2024-01-12.

Conditions:
Familial Mediterranean fever (FMF). Also called: Periodic peritonitis; Benign paroxysmal peritonitis; POLYSEROSITIS, FAMILIAL PAROXYSMAL; POLYSEROSITIS, RECURRENT. Identifiers: Orphanet 342, MedGen C0031069, MONDO:0018088, OMIM 249100. Disease mechanism: gain of function.

Allele frequency attached by ClinVar (database versions not stated): gnomAD exomes 0.00002; ExAC 0.00003; TOPMed 0.00003.
gnomAD v4.1: 18 of 1,614,098 alleles (0.0011%); highest among the groups gnomAD compares: East Asian, 0.029%; no homozygotes.

Submissions (2):

Blueprint Genetics
Classification: Uncertain significance. Last evaluated: 2024-01-12. Review status: criteria provided, single submitter. Criteria: ACMG Guidelines, 2015. Collection method: clinical testing. Allele origin: germline.

Labcorp Genetics (formerly Invitae), Labcorp
Classification: Uncertain significance for Familial Mediterranean fever. Last evaluated: 2021-09-26. Review status: criteria provided, single submitter. Criteria: Invitae Variant Classification Sherloc (09022015). Collection method: clinical testing. Allele origin: germline.
Comment: This sequence change replaces threonine with alanine at codon 249 of the MEFV protein (p.Thr249Ala). The threonine residue is weakly conserved and there is a small physicochemical difference between threonine and alanine. This variant is present in population databases (rs764952529, ExAC 0.03%). This variant has been observed in individual(s) with suspected tumor necrosis factor receptor‚Äìassociated periodic syndrome (PMID: 27332769). Algorithms developed to predict the effect of missense changes on protein structure and function (SIFT, PolyPhen-2, Align-GVGD) all suggest that this variant is likely to be tolerated. In summary, the available evidence is currently insufficient to determine the role of this variant in disease. Therefore, it has been classified as a Variant of Uncertain Significance.

Literature cited by the submitters: PubMed 27332769 (cited by Labcorp Genetics (formerly Invitae), Labcorp).